The following is an entry in ClinVar:

NC_000016.9:g.(?_81348719)_(81348905_?)del

Gene: GAN (gigaxonin; plus strand). Cytogenetic location: 16q23.2.
Variant type: Deletion.
Identifiers: ClinVar variation 3243434 (VCV003243434.1).

ClinVar aggregate classification (germline): Pathogenic (1 of 4 stars; one submission).

Conditions:
Giant axonal neuropathy 1 (GAN1). Also called: GIANT AXONAL NEUROPATHY 1, AUTOSOMAL RECESSIVE; GAN-Related Neurodegeneration. Identifiers: Orphanet 643, MedGen C1850386, MONDO:0009749, OMIM 256850.

Submission:

Labcorp Genetics (formerly Invitae), Labcorp
Classification: Pathogenic for Giant axonal neuropathy 1. Last evaluated: 2023-06-20. Review status: criteria provided, single submitter. Criteria: Invitae Variant Classification Sherloc (09022015). Collection method: clinical testing. Allele origin: unknown.
Comment: This variant is a gross deletion of the genomic region encompassing exon(s) 1 of the GAN gene, which includes the initiator codon. This deletion extends beyond the assayed region for this gene and therefore may encompass additional genes. It is expected to result in an absent or disrupted protein product. Loss-of-function variants in GAN are known to be pathogenic (PMID: 12655563, 14718689, 23890932). A similar copy number variant has been observed in individual(s) with peripheral neuropathy (PMID: 26392352). For these reasons, this variant has been classified as Pathogenic.

Literature cited by the submitters: PubMed 12655563; PubMed 14718689; PubMed 23890932; PubMed 26392352.